The following is an entry in ClinVar:

ClinVar aggregate classification (germline): Uncertain significance (1 of 4 stars; one submission).

Conditions:
Nephronophthisis. Also called: Juvenile Nephronophthisis. Identifiers: Orphanet 655, MedGen C0687120, MONDO:0019005, HP:0000090.

Allele frequency attached by ClinVar (database versions not stated): gnomAD 0.00001.
gnomAD v4.1: 2 of 1,613,408 alleles (0.00012%); no homozygotes.

Submission:

Labcorp Genetics (formerly Invitae), Labcorp
Classification: Uncertain significance for Nephronophthisis. Last evaluated: 2021-10-12. Review status: criteria provided, single submitter. Criteria: Invitae Variant Classification Sherloc (09022015). Collection method: clinical testing. Allele origin: germline.
Comment: This sequence change replaces serine with alanine at codon 4 of the INVS protein (p.Ser4Ala). The serine residue is moderately conserved and there is a moderate physicochemical difference between serine and alanine. This variant is not present in population databases (ExAC no frequency). This variant has not been reported in the literature in individuals affected with INVS-related conditions. Algorithms developed to predict the effect of missense changes on protein structure and function are either unavailable or do not agree on the potential impact of this missense change (SIFT: "Deleterious"; PolyPhen-2: "Benign"; Align-GVGD: "Class C0"). In summary, the available evidence is currently insufficient to determine the role of this variant in disease. Therefore, it has been classified as a Variant of Uncertain Significance.

NM_014425.5(INVS):c.10T>G (p.Ser4Ala)

Gene: INVS (inversin; plus strand). Cytogenetic location: 9q31.1.
Variant type: single nucleotide variant.
Coding change: c.10T>G on transcript NM_014425.5 (MANE Select); coding-DNA position 10, T replaced by G.
Protein change: p.Ser4Ala; replaces serine 4 with alanine.
Molecular consequence: missense variant. On other transcripts: 5 prime UTR variant (2), non-coding transcript variant (1).
Genome position (GRCh38, 1-based): chr9:100,104,531, T>G. VCF-style: chr9-100104531-T-G. GRCh37 (hg19) VCF-style: chr9-102866813-T-G.
Other names: c.-367T>G (NM_001318381.2); c.-980T>G (NM_001318382.2); short protein forms S4A.
Identifiers: ClinVar variation 1518018 (VCV001518018.3), dbSNP rs1827109569, ClinGen allele CA374358092.